The following is an entry in ClinVar:

ClinVar aggregate classification (germline): Benign/Likely benign. Review status: criteria provided, multiple submitters, no conflicts (2 of 4 stars). 5 submissions from 5 submitters: Benign (1); Likely benign (3). 1 of the submissions does not count toward it. Last evaluated 2025-08-21.

Conditions:
Tatton-Brown-Rahman overgrowth syndrome. Also called: Tall stature-intellectual disability-facial dysmorphism syndrome; Tatton-Brown-Rahman syndrome. Identifiers: Orphanet 404443, MedGen C4014545, MONDO:0014382, OMIM 615879.
DNMT3A-related disorder. Also called: DNMT3A-related disorders; DNMT3A-related condition.
Inborn genetic diseases. Identifiers: MedGen C0950123, MeSH D030342.

Allele frequency attached by ClinVar (database versions not stated): gnomAD 0.00013; TOPMed 0.00022; gnomAD exomes 0.00035; ExAC 0.00039.

Submissions (5):

Labcorp Genetics (formerly Invitae), Labcorp
Classification: Likely benign for Tatton-Brown-Rahman overgrowth syndrome. Last evaluated: 2025-08-21. Review status: criteria provided, single submitter. Criteria: Invitae Variant Classification Sherloc (09022015). Collection method: clinical testing. Allele origin: germline.

Ambry Genetics
Classification: Likely benign for Inborn genetic diseases. Last evaluated: 2024-10-04. Review status: criteria provided, single submitter. Criteria: Ambry Variant Classification Scheme 2023. Collection method: clinical testing. Allele origin: germline.

Blueprint Genetics
Classification: Likely benign. Last evaluated: 2024-09-10. Review status: criteria provided, single submitter. Criteria: ACMG Guidelines, 2015. Collection method: clinical testing. Allele origin: germline.

GeneDx
Classification: Benign. Last evaluated: 2020-03-03. Review status: criteria provided, single submitter. Criteria: GeneDx Variant Classification Process June 2021. Collection method: clinical testing. Allele origin: germline. Affected: yes.

PreventionGenetics, part of Exact Sciences
Classification: Likely benign for DNMT3A-related condition. Last evaluated: 2021-05-19. Review status: no assertion criteria provided. Collection method: clinical testing. Allele origin: germline. Not counted in ClinVar's aggregate classification.
Comment: This variant is classified as likely benign based on ACMG/AMP sequence variant interpretation guidelines (Richards et al. 2015 PMID: 25741868, with internal and published modifications).

NM_022552.5(DNMT3A):c.1677C>T (p.Cys559=)

Gene: DNMT3A (DNA methyltransferase 3 alpha; minus strand). Cytogenetic location: 2p23.3.
Variant type: single nucleotide variant.
Coding change: c.1677C>T on transcript NM_022552.5 (MANE Select); coding-DNA position 1677, C replaced by T.
Protein change: p.Cys559=; no amino-acid change (cysteine 559 retained).
Molecular consequence: synonymous variant. On other transcripts: non-coding transcript variant (1).
Genome position (GRCh38, 1-based): chr2:25,244,329, G>A on the plus strand (C>T on the coding strand, the complement: DNMT3A is on the minus strand). VCF-style: chr2-25244329-G-A. GRCh37 (hg19) VCF-style: chr2-25467198-G-A.
Other names: c.1221C>T, p.Cys407= (NM_001320893.1); c.1008C>T, p.Cys336= (NM_001375819.1); c.1110C>T, p.Cys370= (NM_153759.3); c.1677C>T (NM_022552.3); c.1677C>T, p.Cys559= (NM_175629.2).
Identifiers: ClinVar variation 772037 (VCV000772037.15), dbSNP rs775908350, ClinGen allele CA1555894.